The following is an entry in ClinVar:

ClinVar aggregate classification (germline): Uncertain significance (1 of 4 stars; one submission).

Allele frequency attached by ClinVar (database versions not stated): gnomAD exomes 0.00002; ExAC 0.00001; TOPMed 0.00002.
gnomAD v4.1: 22 of 1,612,726 alleles (0.0014%); highest among the groups gnomAD compares: Non-Finnish European, 0.0018%; 1 homozygote.

Submission:

Labcorp Genetics (formerly Invitae), Labcorp
Classification: Uncertain significance. Last evaluated: 2025-09-16. Review status: criteria provided, single submitter. Criteria: Invitae Variant Classification Sherloc (09022015). Collection method: clinical testing. Allele origin: germline.
Comment: This sequence change replaces glutamic acid, which is acidic and polar, with glycine, which is neutral and non-polar, at codon 161 of the POLG2 protein (p.Glu161Gly). This variant is present in population databases (rs781888267, gnomAD 0.003%). This variant has not been reported in the literature in individuals affected with POLG2-related conditions. ClinVar contains an entry for this variant (Variation ID: 3015349). An algorithm developed to predict the effect of missense changes on protein structure and function (PolyPhen-2) suggests that this variant is likely to be tolerated. In summary, the available evidence is currently insufficient to determine the role of this variant in disease. Therefore, it has been classified as a Variant of Uncertain Significance.

NM_007215.4(POLG2):c.482A>G (p.Glu161Gly)

Genes: MILR1 (mast cell immunoglobulin like receptor 1; plus strand), POLG2 (DNA polymerase gamma 2, accessory subunit; minus strand). Cytogenetic location: 17q23.3.
Variant type: single nucleotide variant.
Coding change: c.482A>G on transcript NM_007215.4 (MANE Select); coding-DNA position 482, A replaced by G.
Protein change: p.Glu161Gly; replaces glutamic acid 161 with glycine.
Molecular consequence: missense variant.
Genome position (GRCh38, 1-based): chr17:64,496,487, T>C on the plus strand (A>G on the coding strand, the complement: POLG2 is on the minus strand). VCF-style: chr17-64496487-T-C. GRCh37 (hg19) VCF-style: chr17-62492605-T-C.
Other names: short protein forms E161G.
Identifiers: ClinVar variation 3015349 (VCV003015349.3), dbSNP rs781888267, ClinGen allele CA320482.
Genomic context (GRCh38, chr17:64,496,487, plus strand): 5'-AGTTTCCCAGAAGTTTTTAATACGTTCTCAAGAAATGCTACTAGCTGTTCCTTACTCAGC[T>C]CTTTGTCTTGCAAGATTTCGCGTAGAGTTTCTGCAGAAACTAACCTGAAGGCACTGTCCC-3'
Protein context (NP_009146.2, residues 151-171): ETLREILQDK[Glu161Gly]LSKEQLVAFL